The following is an entry in ClinVar:

ClinVar aggregate classification (germline): Uncertain significance (1 of 4 stars; one submission).

gnomAD v4.1: 2 of 1,613,818 alleles (0.00012%); highest among the groups gnomAD compares: Non-Finnish European, 0.00017%; no homozygotes.

Submission:

Labcorp Genetics (formerly Invitae), Labcorp
Classification: Uncertain significance. Last evaluated: 2025-07-27. Review status: criteria provided, single submitter. Criteria: Invitae Variant Classification Sherloc (09022015). Collection method: clinical testing. Allele origin: germline.
Comment: This sequence change affects codon 1758 of the FOCAD mRNA. It is a 'silent' change, meaning that it does not change the encoded amino acid sequence of the FOCAD protein. This variant is not present in population databases (gnomAD no frequency). This variant has not been reported in the literature in individuals affected with FOCAD-related conditions. Algorithms developed to predict the effect of sequence changes on RNA splicing suggest that this variant may disrupt the consensus splice site. In summary, the available evidence is currently insufficient to determine the role of this variant in disease. Therefore, it has been classified as a Variant of Uncertain Significance.

NM_001375567.1(FOCAD):c.5274C>T (p.Phe1758=)

Gene: FOCAD (focadhesin; plus strand). Cytogenetic location: 9p21.3.
Variant type: single nucleotide variant.
Coding change: c.5274C>T on transcript NM_001375567.1 (MANE Select); coding-DNA position 5274, C replaced by T.
Protein change: p.Phe1758=; no amino-acid change (phenylalanine 1758 retained).
Molecular consequence: synonymous variant.
Genome position (GRCh38, 1-based): chr9:20,993,270, C>T. VCF-style: chr9-20993270-C-T. GRCh37 (hg19) VCF-style: chr9-20993269-C-T.
Other names: c.5169C>T, p.Phe1723= (NM_001375568.1, NM_001375570.1); c.5274C>T, p.Phe1758= (NM_017794.5).
Identifiers: ClinVar variation 4717970 (VCV004717970.1).